The following is an entry in ClinVar:

NM_002775.5(HTRA1):c.102C>T (p.Ala34=)

Gene: HTRA1 (HtrA serine peptidase 1; plus strand). Cytogenetic location: 10q26.13.
Variant type: single nucleotide variant.
Coding change: c.102C>T on transcript NM_002775.5 (MANE Select); coding-DNA position 102, C replaced by T.
Protein change: p.Ala34=; no amino-acid change (alanine 34 retained).
Molecular consequence: synonymous variant.
Genome position (GRCh38, 1-based): chr10:122,461,754, C>T. VCF-style: chr10-122461754-C-T. GRCh37 (hg19) VCF-style: chr10-124221270-C-T.
Other names: p.Ala34=.
Identifiers: ClinVar variation 21324 (VCV000021324.16), dbSNP rs1049331, ClinGen allele CA341899.

ClinVar aggregate classification (germline): Benign/Likely benign. Review status: criteria provided, multiple submitters, no conflicts (2 of 4 stars). 6 submissions from 6 submitters: Benign (4); Likely benign (1). 1 of the submissions does not count toward it. Last evaluated 2026-02-03.

Conditions:
Cerebral arteriopathy, autosomal recessive, with subcortical infarcts and leukoencephalopathy 2. Also called: CEREBROVASCULAR DISEASE WITH THIN SKIN, ALOPECIA, AND DISC DISEASE; SUBCORTICAL VASCULAR ENCEPHALOPATHY, PROGRESSIVE; Cerebral autosomal recessive arteriopathy with subcortical infarcts and leukoencephalopathy; CARASIL syndrome; MAEDA SYNDROME. Identifiers: Orphanet 199354, MedGen C6022615, MONDO:0010829, OMIM 600142.

Allele frequency attached by ClinVar (database versions not stated): gnomAD exomes 0.22552 and 0.32341; TOPMed 0.24172; 1000 Genomes Project 0.29313; 1000 Genomes Project 30x 0.28217; gnomAD 0.23426 and 0.22934; ExAC 0.41590.
gnomAD v4.1: 253,772 of 1,116,160 alleles (23%); highest among the groups gnomAD compares: East Asian, 42%; 30,216 homozygotes.

Submissions (6):

Labcorp Genetics (formerly Invitae), Labcorp
Classification: Benign. Last evaluated: 2026-02-03. Review status: criteria provided, single submitter. Criteria: Invitae Variant Classification Sherloc (09022015). Collection method: clinical testing. Allele origin: germline.

Mayo Clinic Laboratories, Mayo Clinic
Classification: Benign. Last evaluated: 2023-03-02. Review status: criteria provided, single submitter. Criteria: ACMG Guidelines, 2015. Collection method: clinical testing. Allele origin: germline. Observed: 235 variant alleles.
Comment: BA1

GeneDx
Classification: Benign. Last evaluated: 2018-11-12. Review status: criteria provided, single submitter. Criteria: GeneDx Variant Classification Process June 2021. Collection method: clinical testing. Allele origin: germline. Affected: yes.
Comment: This variant is associated with the following publications: (PMID: 23478260, 18164066, 26310622)

Athena Diagnostics
Classification: Benign for Cerebral arteriopathy, autosomal recessive, with subcortical infarcts and leukoencephalopathy 2. Last evaluated: 2017-06-01. Review status: criteria provided, single submitter. Criteria: Athena Diagnostics Criteria. Collection method: clinical testing. Allele origin: germline.

Breakthrough Genomics
Classification: Likely benign. Review status: criteria provided, single submitter. Criteria: ACMG Guidelines, 2015. Collection method: not provided. Allele origin: germline. Inheritance: Autosomal recessive inheritance. Affected: yes.

GeneReviews
No classification provided. Condition: Cerebral arteriopathy, autosomal recessive, with subcortical infarcts and leukoencephalopathy 2. Review status: no classification provided. Collection method: literature only. Allele origin: unknown. Not counted in ClinVar's aggregate classification.

Literature cited by the submitters: PubMed 20437615 (cited by GeneReviews); NCBI Bookshelf NBK32533 (cited by GeneReviews).